The following is an entry in ClinVar:

NM_000540.3(RYR1):c.11906A>T (p.Gln3969Leu)

Gene: RYR1 (ryanodine receptor 1; plus strand). Cytogenetic location: 19q13.2.
Variant type: single nucleotide variant.
Coding change: c.11906A>T on transcript NM_000540.3 (MANE Select); coding-DNA position 11906, A replaced by T.
Protein change: p.Gln3969Leu; replaces glutamine 3969 with leucine.
Molecular consequence: missense variant.
Genome position (GRCh38, 1-based): chr19:38,543,659, A>T. VCF-style: chr19-38543659-A-T. GRCh37 (hg19) VCF-style: chr19-39034299-A-T.
Other names: c.11891A>T, p.Gln3964Leu (NM_001042723.2); short protein forms Q3964L, Q3969L.
Identifiers: ClinVar variation 3898991 (VCV003898991.1).
Genomic context (GRCh38, chr19:38,543,659, plus strand): 5'-ACTTCTCCAAAGCCATGTCGGTGGCTAAGCAGGTGTTCAACAGCCTCACTGAGTACATCC[A>T]GGTAGGGCGCTCCCCCTGGGGCGGGAGTGGGAAGGGAGGGGGTCCCGCATCGTGATCCCT-3'
Protein context (NP_000531.2, residues 3959-3979): QVFNSLTEYI[Gln3969Leu]GPCTGNQQSL

ClinVar aggregate classification (germline): Uncertain significance (1 of 4 stars; one submission).

Submission:

GeneDx
Classification: Uncertain significance. Last evaluated: 2024-11-08. Review status: criteria provided, single submitter. Criteria: GeneDx Variant Classification Process June 2021. Collection method: clinical testing. Allele origin: germline. Affected: yes.
Comment: In silico analysis supports that this missense variant has a deleterious effect on protein structure/function; Not observed at significant frequency in large population cohorts (gnomAD); Has not been previously published as pathogenic or benign to our knowledge; This variant is associated with the following publications: (PMID: 25960145)